The following is an entry in ClinVar:

ClinVar aggregate classification (germline): Uncertain significance (1 of 4 stars; one submission).

Conditions:
Autosomal recessive severe congenital neutropenia due to CSF3R deficiency. Also called: Neutropenia, severe congenital, 7, autosomal recessive. Identifiers: Orphanet 420702, MedGen C4310764, MONDO:0014865, OMIM 617014.

gnomAD v4.1: 2 of 1,613,758 alleles (0.00012%); highest among the groups gnomAD compares: Non-Finnish European, 0.00017%; no homozygotes.

Submission:

Labcorp Genetics (formerly Invitae), Labcorp
Classification: Uncertain significance for Autosomal recessive severe congenital neutropenia due to CSF3R deficiency. Last evaluated: 2024-11-19. Review status: criteria provided, single submitter. Criteria: Invitae Variant Classification Sherloc (09022015). Collection method: clinical testing. Allele origin: germline.
Comment: This sequence change replaces arginine, which is basic and polar, with serine, which is neutral and polar, at codon 495 of the CSF3R protein (p.Arg495Ser). This variant is not present in population databases (gnomAD no frequency). This variant has not been reported in the literature in individuals affected with CSF3R-related conditions. Invitae Evidence Modeling of protein sequence and biophysical properties (such as structural, functional, and spatial information, amino acid conservation, physicochemical variation, residue mobility, and thermodynamic stability) indicates that this missense variant is not expected to disrupt CSF3R protein function with a negative predictive value of 80%. In summary, the available evidence is currently insufficient to determine the role of this variant in disease. Therefore, it has been classified as a Variant of Uncertain Significance.

NM_000760.4(CSF3R):c.1485G>C (p.Arg495Ser)

Gene: CSF3R (colony stimulating factor 3 receptor; minus strand). Cytogenetic location: 1p34.3.
Variant type: single nucleotide variant.
Coding change: c.1485G>C on transcript NM_000760.4 (MANE Select); coding-DNA position 1485, G replaced by C.
Protein change: p.Arg495Ser; replaces arginine 495 with serine.
Molecular consequence: missense variant.
Genome position (GRCh38, 1-based): chr1:36,469,247, C>G on the plus strand (G>C on the coding strand, the complement: CSF3R is on the minus strand). VCF-style: chr1-36469247-C-G. GRCh37 (hg19) VCF-style: chr1-36934848-C-G.
Other names: c.1485G>C, p.Arg495Ser (NM_156039.3, NM_172313.3); short protein forms R495S.
Identifiers: ClinVar variation 3708892 (VCV003708892.2).